The following is an entry in ClinVar:

NM_006087.4(TUBB4A):c.703G>A (p.Gly235Arg)

Gene: TUBB4A (tubulin beta 4A class IVa; minus strand). Cytogenetic location: 19p13.3.
Variant type: single nucleotide variant.
Coding change: c.703G>A on transcript NM_006087.4 (MANE Select); coding-DNA position 703, G replaced by A.
Protein change: p.Gly235Arg; replaces glycine 235 with arginine.
Molecular consequence: missense variant.
Genome position (GRCh38, 1-based): chr19:6,495,796, C>T on the plus strand (G>A on the coding strand, the complement: TUBB4A is on the minus strand). VCF-style: chr19-6495796-C-T. GRCh37 (hg19) VCF-style: chr19-6495807-C-T.
Other names: c.856G>A, p.Gly286Arg (NM_001289123.2); c.838G>A, p.Gly280Arg (NM_001289127.2); c.703G>A, p.Gly235Arg (NM_001289129.2); c.487G>A, p.Gly163Arg (NM_001289130.2, NM_001289131.2); short protein forms G280R, G286R, G163R, G235R.
Identifiers: ClinVar variation 643798 (VCV000643798.1), dbSNP rs1171027384, ClinGen allele CA403591428.
Genomic context (GRCh38, chr19:6,495,796, plus strand): 5'-CGGCCAGCTTGCGCAGGTCGGCGTTCAGCTGGCCCGGGAAGCGCAGGCAGGTGGTGACCC[C>T]GCTCATGGTGGCCGACACCAGGTGGTTGAGGTCCCCGTAGGTGGGGGTGGTCAGCTTGAG-3'
Protein context (NP_006078.2, residues 225-245): LNHLVSATMS[Gly235Arg]VTTCLRFPGQ

ClinVar aggregate classification (germline): Uncertain significance (1 of 4 stars; one submission).

Conditions:
Leukodystrophy, hypomyelinating, 6. Also called: TUBB4A-Associated Leukodystrophy; Hypomyelination with Atrophy of Basal Ganglia and Cerebellum (H-ABC); LEUKODYSTROPHY, HYPOMYELINATING, WITH ATROPHY OF THE BASAL GANGLIA AND CEREBELLUM. Identifiers: Orphanet 139441, MedGen C2676244, MONDO:0012905, OMIM 612438.

Allele frequency attached by ClinVar (database versions not stated): gnomAD exomes below 0.00001.

Submission:

Labcorp Genetics (formerly Invitae), Labcorp
Classification: Uncertain significance for Leukodystrophy, hypomyelinating, 6. Last evaluated: 2018-10-01. Review status: criteria provided, single submitter. Criteria: Invitae Variant Classification Sherloc (09022015). Collection method: clinical testing. Allele origin: germline.
Comment: This sequence change replaces glycine with arginine at codon 235 of the TUBB4A protein (p.Gly235Arg). The glycine residue is highly conserved and there is a moderate physicochemical difference between glycine and arginine. This variant is not present in population databases (ExAC no frequency). This variant has not been reported in the literature in individuals with TUBB4A-related disease. Algorithms developed to predict the effect of missense changes on protein structure and function are either unavailable or do not agree on the potential impact of this missense change (SIFT: "Deleterious"; PolyPhen-2: "Probably Damaging"; Align-GVGD: "Class C15"). Algorithms developed to predict the effect of sequence changes on RNA splicing suggest that this variant may create or strengthen a splice site, but this prediction has not been confirmed by published transcriptional studies. In summary, the available evidence is currently insufficient to determine the role of this variant in disease. Therefore, it has been classified as a Variant of Uncertain Significance.